The following is an entry in ClinVar:

ClinVar aggregate classification (germline): Uncertain significance. Review status: criteria provided, multiple submitters, no conflicts (2 of 4 stars). 2 submissions from 2 submitters: Uncertain significance (2). Last evaluated 2020-03-31.

Conditions:
Inborn genetic diseases. Identifiers: MedGen C0950123, MeSH D030342.
Epidermolysis bullosa simplex 3, localized or generalized intermediate, with BP230 deficiency (EBS3). Also called: Epidermolysis bullosa simplex, autosomal recessive 2; Epidermolysis bullosa simplex due to BP230 deficiency. Identifiers: Orphanet 412181, MedGen C3809470, MONDO:0014180, OMIM 615425.
Hereditary sensory and autonomic neuropathy type 6. Also called: Neuropathy, hereditary sensory and autonomic, type VI; HSAN VI. Identifiers: Orphanet 314381, MedGen C3539003, MONDO:0013839, OMIM 614653.

Allele frequency attached by ClinVar (database versions not stated): gnomAD 0.00002 and 0.00003; TOPMed 0.00003; ESP Exome Variant Server 0.00016.
gnomAD v4.1: 51 of 1,613,618 alleles (0.0032%); highest among the groups gnomAD compares: Non-Finnish European, 0.004%; no homozygotes.

Submissions (2):

Ambry Genetics
Classification: Uncertain significance for Inborn genetic diseases. Last evaluated: 2020-03-31. Review status: criteria provided, single submitter. Criteria: Ambry Variant Classification Scheme 2023. Collection method: clinical testing. Allele origin: germline.
Comment: The p.A5102V variant (also known as c.15305C>T), located in coding exon 85 of the DST gene, results from a C to T substitution at nucleotide position 15305. The alanine at codon 5102 is replaced by valine, an amino acid with similar properties. This amino acid position is highly conserved in available vertebrate species. In addition, the in silico prediction for this alteration is inconclusive. Since supporting evidence is limited at this time, the clinical significance of this alteration remains unclear.

Labcorp Genetics (formerly Invitae), Labcorp
Classification: Uncertain significance for Epidermolysis bullosa simplex 3, localized or generalized intermediate, with BP230 deficiency; Hereditary sensory and autonomic neuropathy type 6. Last evaluated: 2019-08-19. Review status: criteria provided, single submitter. Criteria: Invitae Variant Classification Sherloc (09022015). Collection method: clinical testing. Allele origin: germline.
Comment: This sequence change replaces alanine with valine at codon 4598 of the DST protein (p.Ala4598Val). The alanine residue is highly conserved and there is a small physicochemical difference between alanine and valine. The DST gene has multiple clinically relevant transcripts. The p.Ala4598Val variant occurs in alternate transcript NM_015548.4, which corresponds to c.*138159C>T in NM_001723.5, the primary transcript listed in the Methods. This variant is present in population databases (rs376556021, ExAC 0.005%). This variant has not been reported in the literature in individuals with DST-related conditions. Algorithms developed to predict the effect of missense changes on protein structure and function are either unavailable or do not agree on the potential impact of this missense change (SIFT: "Tolerated"; PolyPhen-2: "Not Available"; Align-GVGD: "Class C0"). Algorithms developed to predict the effect of sequence changes on RNA splicing suggest that this variant may create or strengthen a splice site, but this prediction has not been confirmed by published transcriptional studies. In summary, the available evidence is currently insufficient to determine the role of this variant in disease. Therefore, it has been classified as a Variant of Uncertain Significance.

NM_001374736.1(DST):c.21662C>T (p.Ala7221Val)

Gene: DST (dystonin; minus strand). Cytogenetic location: 6p12.1.
Variant type: single nucleotide variant.
Coding change: c.21662C>T on transcript NM_001374736.1 (MANE Select); coding-DNA position 21662, C replaced by T.
Protein change: p.Ala7221Val; replaces alanine 7221 with valine.
Molecular consequence: missense variant.
Genome position (GRCh38, 1-based): chr6:56,477,358, G>A on the plus strand (C>T on the coding strand, the complement: DST is on the minus strand). VCF-style: chr6-56477358-G-A. GRCh37 (hg19) VCF-style: chr6-56342156-G-A.
Other names: c.15305C>T, p.Ala5102Val (NM_001144769.5); c.14891C>T, p.Ala4964Val (NM_001144770.2); c.21662C>T, p.Ala7221Val (NM_001374722.1); c.20702C>T, p.Ala6901Val (NM_001374729.1); c.14444C>T, p.Ala4815Val (NM_001374730.1); c.21689C>T, p.Ala7230Val (NM_001374734.1); c.13793C>T, p.Ala4598Val (NM_015548.5); c.14771C>T, p.Ala4924Val (NM_183380.4); short protein forms A4924V, A6901V, A4964V, A7221V, A7230V, A4598V, A4815V, A5102V.
Identifiers: ClinVar variation 970596 (VCV000970596.9), dbSNP rs376556021, ClinGen allele CA3866417.